The following is an entry in ClinVar:

NM_001267550.2(TTN):c.47129G>A (p.Arg15710His)

Genes: TTN (titin; minus strand), TTN-AS1 (TTN antisense RNA 1; plus strand). Cytogenetic location: 2q31.2.
Variant type: single nucleotide variant.
Coding change: c.47129G>A on transcript NM_001267550.2 (MANE Select); coding-DNA position 47129, G replaced by A.
Protein change: p.Arg15710His; replaces arginine 15710 with histidine.
Molecular consequence: missense variant.
Genome position (GRCh38, 1-based): chr2:178,618,329, C>T on the plus strand (G>A on the coding strand, the complement: TTN is on the minus strand). VCF-style: chr2-178618329-C-T. GRCh37 (hg19) VCF-style: chr2-179483056-C-T.
Other names: c.42206G>A, p.Arg14069His (NM_001256850.1); c.19934G>A, p.Arg6645His (NM_003319.4); c.39425G>A, p.Arg13142His (NM_133378.4); c.20309G>A, p.Arg6770His (NM_133432.3); c.20510G>A, p.Arg6837His (NM_133437.4); short protein forms R15710H, R13142H, R6645H, R6837H, R14069H, R6770H.
Identifiers: ClinVar variation 597612 (VCV000597612.11), dbSNP rs185689179, ClinGen allele CA1995119.

ClinVar aggregate classification (germline): Conflicting classifications of pathogenicity. Review status: criteria provided, conflicting classifications (1 of 4 stars). 3 submissions from 3 submitters: Uncertain significance (2); Likely benign (1). Last evaluated 2018-06-15.

Allele frequency attached by ClinVar (database versions not stated): ExAC 0.00001; gnomAD exomes 0.00002 and 0.00004; TOPMed 0.00002; gnomAD 0.00004 and 0.00005; 1000 Genomes Project 30x 0.00016.
gnomAD v4.1: 41 of 1,612,658 alleles (0.0025%); highest among the groups gnomAD compares: East Asian, 0.018%; 1 homozygote.

Submissions (3):

Eurofins Ntd Llc (ga)
Classification: Uncertain significance. Last evaluated: 2018-06-15. Review status: criteria provided, single submitter. Criteria: EGL ClinVar v180209 classification definitions. Collection method: clinical testing. Allele origin: germline. Observed: 1 variant allele, 1 heterozygote.

Genetic Services Laboratory, University of Chicago
Classification: Uncertain significance. Last evaluated: 2018-04-20. Review status: criteria provided, single submitter. Criteria: ACMG Guidelines, 2015. Collection method: clinical testing. Allele origin: germline. Affected: no.

GeneDx
Classification: Likely benign. Last evaluated: 2018-04-11. Review status: criteria provided, single submitter. Criteria: GeneDx Variant Classification (06012015). Collection method: clinical testing. Allele origin: germline. Affected: yes.
Comment: This variant is considered likely benign or benign based on one or more of the following criteria: it is a conservative change, it occurs at a poorly conserved position in the protein, it is predicted to be benign by multiple in silico algorithms, and/or has population frequency not consistent with disease.